The following is an entry in ClinVar:

ClinVar aggregate classification (germline): Uncertain significance (1 of 4 stars; one submission).

Conditions:
Emery-Dreifuss muscular dystrophy 5, autosomal dominant (EDMD5). Also called: EMERY-DREIFUSS MUSCULAR DYSTROPHY 5. Identifiers: Orphanet 261, MedGen C2751805, MONDO:0013072, OMIM 612999.

Submission:

Labcorp Genetics (formerly Invitae), Labcorp
Classification: Uncertain significance for Emery-Dreifuss muscular dystrophy 5, autosomal dominant. Last evaluated: 2017-12-05. Review status: criteria provided, single submitter. Criteria: Invitae Variant Classification Sherloc (09022015). Collection method: clinical testing. Allele origin: germline.
Comment: This variant has not been reported in the literature in individuals with SYNE2-related disease. This variant is not present in population databases (ExAC no frequency). This sequence change replaces cysteine with phenylalanine at codon 587 of the SYNE2 protein (p.Cys587Phe). The cysteine residue is weakly conserved and there is a large physicochemical difference between cysteine and phenylalanine. Algorithms developed to predict the effect of missense changes on protein structure and function (SIFT, PolyPhen-2, Align-GVGD) all suggest that this variant is likely to be tolerated, but these predictions have not been confirmed by published functional studies and their clinical significance is uncertain. In summary, the available evidence is currently insufficient to determine the role of this variant in disease. Therefore, it has been classified as a Variant of Uncertain Significance.

NM_182914.3(SYNE2):c.1760G>T (p.Cys587Phe)

Gene: SYNE2 (spectrin repeat containing nuclear envelope protein 2; plus strand). Cytogenetic location: 14q23.2.
Variant type: single nucleotide variant.
Coding change: c.1760G>T on transcript NM_182914.3 (MANE Select); coding-DNA position 1760, G replaced by T.
Protein change: p.Cys587Phe; replaces cysteine 587 with phenylalanine.
Molecular consequence: missense variant.
Genome position (GRCh38, 1-based): chr14:63,981,097, G>T. VCF-style: chr14-63981097-G-T. GRCh37 (hg19) VCF-style: chr14-64447815-G-T.
Other names: c.1760G>T, p.Cys587Phe (NM_015180.6); short protein forms C587F.
Identifiers: ClinVar variation 538316 (VCV000538316.8), dbSNP rs1555410673, ClinGen allele CA389960593.
Genomic context (GRCh38, chr14:63,981,097, plus strand): 5'-TTTGTATGTATAGAAAAAATATATATAATGTGAAGTCCACTCTACAAAAAGTGCTGGCAT[G>T]TTGGGCTACTTATGTGGAAAACCTTCGCTTACTAAGGGCTTGCTTTGAGGAGACAAAGAA-3'
Protein context (NP_878918.2, residues 577-597): VKSTLQKVLA[Cys587Phe]WATYVENLRL